The following is an entry in ClinVar:

ClinVar aggregate classification (germline): Uncertain significance. Review status: criteria provided, single submitter (1 of 4 stars). 2 submissions from 2 submitters: Uncertain significance (1). 1 of the submissions does not count toward it. Last evaluated 2021-12-01.

Conditions:
EFTUD2-related disorder. Also called: EFTUD2-related condition.

Submissions (2):

CeGaT Center for Human Genetics Tuebingen
Classification: Uncertain significance. Last evaluated: 2021-12-01. Review status: criteria provided, single submitter. Criteria: CeGaT Center For Human Genetics Tuebingen Variant Classification Criteria Version 2. Collection method: clinical testing. Allele origin: germline. Affected: yes. Observed: 1 variant allele.

PreventionGenetics, part of Exact Sciences
Classification: Likely pathogenic for EFTUD2-related condition. Last evaluated: 2024-04-11. Review status: no assertion criteria provided. Collection method: clinical testing. Allele origin: germline. Not counted in ClinVar's aggregate classification.
Comment: The EFTUD2 c.2477G>A variant is predicted to result in the amino acid substitution p.Arg826His. To our knowledge, this variant has not been reported in the literature or in a large population database, indicating this variant is rare. Other de novo missense variants in EFTUD2 gene have been reported as disease-causing in individuals with EFTUD2-related disease (Lines et al. 2012. PubMed ID: 22305528; Gordon et al. 2012. PubMed ID: 23188108). In summary, this variant is interpreted as likely pathogenic.

NM_004247.4(EFTUD2):c.2477G>A (p.Arg826His)

Gene: EFTUD2 (elongation factor Tu GTP binding domain containing 2; minus strand). Cytogenetic location: 17q21.31.
Variant type: single nucleotide variant.
Coding change: c.2477G>A on transcript NM_004247.4 (MANE Select); coding-DNA position 2477, G replaced by A.
Protein change: p.Arg826His; replaces arginine 826 with histidine.
Molecular consequence: missense variant.
Genome position (GRCh38, 1-based): chr17:44,853,380, C>T on the plus strand (G>A on the coding strand, the complement: EFTUD2 is on the minus strand). VCF-style: chr17-44853380-C-T. GRCh37 (hg19) VCF-style: chr17-42930748-C-T.
Other names: c.2372G>A, p.Arg791His (NM_001142605.2); c.2477G>A, p.Arg826His (NM_001258353.2); c.2447G>A, p.Arg816His (NM_001258354.2); c.2477G>A (NM_004247.3); short protein forms R791H, R816H, R826H.
Identifiers: ClinVar variation 1335275 (VCV001335275.35), dbSNP rs2145434319, ClinGen allele CA399839779.
Genomic context (GRCh38, chr17:44,853,380, plus strand): 5'-ACTGCAGAGACGCAATCTGCAGGGGCCTGGACCTCTACAAAGTAGTAAGGCTCCATCAGA[C>T]GAGGAGTAGCCTGCAGCAGAGCAAGAAGAAAGGCCCCTCAGCTTGGGGAAGGCTGGGGGC-3'
Protein context (NP_004238.3, residues 816-836): VYSAFLMATP[Arg826His]LMEPYYFVEV